The following is an entry in ClinVar:

ClinVar aggregate classification (germline): Uncertain significance (1 of 4 stars; one submission).

gnomAD v4.1: 2 of 1,571,568 alleles (0.00013%); no homozygotes.

Submission:

Labcorp Genetics (formerly Invitae), Labcorp
Classification: Uncertain significance. Last evaluated: 2025-09-27. Review status: criteria provided, single submitter. Criteria: Invitae Variant Classification Sherloc (09022015). Collection method: clinical testing. Allele origin: germline.
Comment: This sequence change replaces valine, which is neutral and non-polar, with alanine, which is neutral and non-polar, at codon 228 of the PLEKHM2 protein (p.Val228Ala). This variant is not present in population databases (gnomAD no frequency). This variant has not been reported in the literature in individuals affected with PLEKHM2-related conditions. ClinVar contains an entry for this variant (Variation ID: 2153325). An algorithm developed to predict the effect of missense changes on protein structure and function (PolyPhen-2) suggests that this variant is likely to be tolerated. In summary, the available evidence is currently insufficient to determine the role of this variant in disease. Therefore, it has been classified as a Variant of Uncertain Significance.

NM_015164.4(PLEKHM2):c.683T>C (p.Val228Ala)

Gene: PLEKHM2 (pleckstrin homology and RUN domain containing M2; plus strand). Cytogenetic location: 1p36.21.
Variant type: single nucleotide variant.
Coding change: c.683T>C on transcript NM_015164.4 (MANE Select); coding-DNA position 683, T replaced by C.
Protein change: p.Val228Ala; replaces valine 228 with alanine.
Molecular consequence: missense variant.
Genome position (GRCh38, 1-based): chr1:15,721,359, T>C. VCF-style: chr1-15721359-T-C. GRCh37 (hg19) VCF-style: chr1-16047854-T-C.
Other names: short protein forms V228A.
Identifiers: ClinVar variation 2153325 (VCV002153325.4), dbSNP rs928365875, ClinGen allele CA18293934.